The following is an entry in ClinVar:

ClinVar aggregate classification (germline): Uncertain significance (1 of 4 stars; one submission).

Conditions:
LAMB2-related infantile-onset nephrotic syndrome. Also called: NEPHROTIC SYNDROME, TYPE 5, WITHOUT OCULAR ABNORMALITIES; NEPHROTIC SYNDROME, TYPE 5, WITH OCULAR ABNORMALITIES; Nephrotic Syndrome, type 5. Identifiers: Orphanet 306507, MedGen C3280113, MONDO:0013621, OMIM 614199.
Pierson syndrome. Also called: MICROCORIA-CONGENITAL NEPHROTIC SYNDROME. Identifiers: Orphanet 2670, MedGen C1836876, MONDO:0012184, OMIM 609049.

Allele frequency attached by ClinVar (database versions not stated): TOPMed below 0.00001; ExAC 0.00002.
gnomAD v4.1: 2 of 1,612,702 alleles (0.00012%); highest among the groups gnomAD compares: Admixed American, 0.0033%; no homozygotes.

Submission:

Labcorp Genetics (formerly Invitae), Labcorp
Classification: Uncertain significance for LAMB2-related infantile-onset nephrotic syndrome; Pierson syndrome. Last evaluated: 2022-05-25. Review status: criteria provided, single submitter. Criteria: Invitae Variant Classification Sherloc (09022015). Collection method: clinical testing. Allele origin: germline.
Comment: This sequence change replaces aspartic acid, which is acidic and polar, with glutamic acid, which is acidic and polar, at codon 1404 of the LAMB2 protein (p.Asp1404Glu). This variant is present in population databases (rs751507627, gnomAD 0.006%). This variant has not been reported in the literature in individuals affected with LAMB2-related conditions. Algorithms developed to predict the effect of missense changes on protein structure and function (SIFT, PolyPhen-2, Align-GVGD) all suggest that this variant is likely to be tolerated. In summary, the available evidence is currently insufficient to determine the role of this variant in disease. Therefore, it has been classified as a Variant of Uncertain Significance.

NM_002292.4(LAMB2):c.4212C>A (p.Asp1404Glu)

Gene: LAMB2 (laminin subunit beta 2; minus strand). Cytogenetic location: 3p21.31.
Variant type: single nucleotide variant.
Coding change: c.4212C>A on transcript NM_002292.4 (MANE Select); coding-DNA position 4212, C replaced by A.
Protein change: p.Asp1404Glu; replaces aspartic acid 1404 with glutamic acid.
Molecular consequence: missense variant.
Genome position (GRCh38, 1-based): chr3:49,123,144, G>T on the plus strand (C>A on the coding strand, the complement: LAMB2 is on the minus strand). VCF-style: chr3-49123144-G-T. GRCh37 (hg19) VCF-style: chr3-49160577-G-T.
Other names: short protein forms D1404E.
Identifiers: ClinVar variation 2151355 (VCV002151355.1), dbSNP rs751507627, ClinGen allele CA2393848.